The following is an entry in ClinVar:

NM_001037333.3(CYFIP2):c.3326G>C (p.Arg1109Pro)

Genes: CYFIP2 (cytoplasmic FMR1 interacting protein 2; plus strand), NIPAL4-DT (NIPAL4 divergent transcript; minus strand). Cytogenetic location: 5q33.3.
Variant type: single nucleotide variant.
Coding change: c.3326G>C on transcript NM_001037333.3 (MANE Select); coding-DNA position 3326, G replaced by C.
Protein change: p.Arg1109Pro; replaces arginine 1109 with proline.
Molecular consequence: missense variant.
Genome position (GRCh38, 1-based): chr5:157,389,307, G>C. VCF-style: chr5-157389307-G-C. GRCh37 (hg19) VCF-style: chr5-156816315-G-C.
Other names: c.3248G>C, p.Arg1083Pro (NM_001291721.2); c.3401G>C, p.Arg1134Pro (NM_001291722.2); c.3326G>C, p.Arg1109Pro (NM_014376.4); short protein forms R1083P, R1109P, R1134P.
Identifiers: ClinVar variation 4071939 (VCV004071939.1).

ClinVar aggregate classification (germline): Uncertain significance (1 of 4 stars; one submission).

Submission:

GeneDx
Classification: Uncertain significance. Last evaluated: 2025-01-28. Review status: criteria provided, single submitter. Criteria: GeneDx Variant Classification Process June 2021. Collection method: clinical testing. Allele origin: germline. Affected: yes.
Comment: Not observed at significant frequency in large population cohorts (gnomAD); In silico analysis supports that this missense variant has a deleterious effect on protein structure/function; Has not been previously published as pathogenic or benign to our knowledge